The following is an entry in ClinVar:

NM_001282531.3(ADNP):c.3078G>T (p.Leu1026Phe)

Gene: ADNP (activity dependent neuroprotector homeobox; minus strand). Cytogenetic location: 20q13.13.
Variant type: single nucleotide variant.
Coding change: c.3078G>T on transcript NM_001282531.3 (MANE Select); coding-DNA position 3078, G replaced by T.
Protein change: p.Leu1026Phe; replaces leucine 1026 with phenylalanine.
Molecular consequence: missense variant.
Genome position (GRCh38, 1-based): chr20:50,891,636, C>A on the plus strand (G>T on the coding strand, the complement: ADNP is on the minus strand). VCF-style: chr20-50891636-C-A. GRCh37 (hg19) VCF-style: chr20-49508173-C-A.
Other names: c.3078G>T, p.Leu1026Phe (NM_001282532.2, NM_001347511.2, NM_015339.5 and 1 more transcripts); short protein forms L1026F.
Identifiers: ClinVar variation 2823585 (VCV002823585.3), dbSNP rs1374208490, ClinGen allele CA408967146.
Genomic context (GRCh38, chr20:50,891,636, plus strand): 5'-CTGTGACTGGTCCTTAGACCAAAACCCTTCAACTTTTCCATAGGAACTATTCTTCCATTT[C>A]AACTGCTCTCTGTCACCTTGCATGGTAGCCTTTTTTTTGGCAGCTGGCTTACTGCTCCTT-3'
Protein context (NP_001269460.1, residues 1016-1036): KATMQGDREQ[Leu1026Phe]KWKNSSYGKV

ClinVar aggregate classification (germline): Uncertain significance (1 of 4 stars; one submission).

gnomAD v4.1: 1 of 1,614,204 alleles (0.000062%); highest among the groups gnomAD compares: Admixed American, 0.0017%; no homozygotes.

Submission:

Labcorp Genetics (formerly Invitae), Labcorp
Classification: Uncertain significance. Last evaluated: 2023-08-20. Review status: criteria provided, single submitter. Criteria: Invitae Variant Classification Sherloc (09022015). Collection method: clinical testing. Allele origin: germline.
Comment: In summary, the available evidence is currently insufficient to determine the role of this variant in disease. Therefore, it has been classified as a Variant of Uncertain Significance. This sequence change replaces leucine, which is neutral and non-polar, with phenylalanine, which is neutral and non-polar, at codon 1026 of the ADNP protein (p.Leu1026Phe). This variant is present in population databases (no rsID available, gnomAD 0.003%). This variant has not been reported in the literature in individuals affected with ADNP-related conditions. An algorithm developed to predict the effect of missense changes on protein structure and function (PolyPhen-2) suggests that this variant is likely to be tolerated.